The following is an entry in ClinVar:

NM_018127.7(ELAC2):c.2026A>G (p.Met676Val)

Gene: ELAC2 (elaC ribonuclease Z 2; minus strand). Cytogenetic location: 17p12.
Variant type: single nucleotide variant.
Coding change: c.2026A>G on transcript NM_018127.7 (MANE Select); coding-DNA position 2026, A replaced by G.
Protein change: p.Met676Val; replaces methionine 676 with valine.
Molecular consequence: missense variant.
Genome position (GRCh38, 1-based): chr17:12,994,767, T>C on the plus strand (A>G on the coding strand, the complement: ELAC2 is on the minus strand). VCF-style: chr17-12994767-T-C. GRCh37 (hg19) VCF-style: chr17-12898084-T-C.
Other names: c.1906A>G, p.Met636Val (NM_001165962.2); c.2023A>G, p.Met675Val (NM_173717.2); short protein forms M636V, M676V, M675V.
Identifiers: ClinVar variation 1433482 (VCV001433482.8), dbSNP rs2143554465, ClinGen allele CA398223001.

ClinVar aggregate classification (germline): Uncertain significance (1 of 4 stars; one submission).

Conditions:
Combined oxidative phosphorylation defect type 17. Also called: Combined oxidative phosphorylation deficiency 17. Identifiers: Orphanet 369913, MedGen C3809526, MONDO:0014190, OMIM 615440.

Allele frequency attached by ClinVar (database versions not stated): gnomAD exomes below 0.00001.

Submission:

Labcorp Genetics (formerly Invitae), Labcorp
Classification: Uncertain significance for Combined oxidative phosphorylation defect type 17. Last evaluated: 2021-06-01. Review status: criteria provided, single submitter. Criteria: Invitae Variant Classification Sherloc (09022015). Collection method: clinical testing. Allele origin: germline.
Comment: This sequence change replaces methionine with valine at codon 676 of the ELAC2 protein (p.Met676Val). The methionine residue is moderately conserved and there is a small physicochemical difference between methionine and valine. This variant is not present in population databases (ExAC no frequency). This variant has not been reported in the literature in individuals with ELAC2-related conditions. Algorithms developed to predict the effect of missense changes on protein structure and function (SIFT, PolyPhen-2, Align-GVGD) all suggest that this variant is likely to be tolerated, but these predictions have not been confirmed by published functional studies and their clinical significance is uncertain. Algorithms developed to predict the effect of sequence changes on RNA splicing suggest that this variant may create or strengthen a splice site, but this prediction has not been confirmed by published transcriptional studies. In summary, the available evidence is currently insufficient to determine the role of this variant in disease. Therefore, it has been classified as a Variant of Uncertain Significance.